The following is an entry in ClinVar:

NM_000642.3(AGL):c.3260-19G>A

Gene: AGL (amylo-alpha-1,6-glucosidase and 4-alpha-glucanotransferase; plus strand). Cytogenetic location: 1p21.2.
Variant type: single nucleotide variant.
Coding change: c.3260-19G>A on transcript NM_000642.3 (MANE Select); 19 bases into the intron before coding-DNA position 3260, G replaced by A.
Molecular consequence: intron variant.
Genome position (GRCh38, 1-based): chr1:99,896,267, G>A. VCF-style: chr1-99896267-G-A. GRCh37 (hg19) VCF-style: chr1-100361823-G-A.
Other names: c.3260-19G>A (NM_000643.3, NM_000644.3, NM_001425325.1 and 1 more transcripts); c.3212-19G>A (NM_000646.3); c.3239-19G>A (NM_001425326.1); c.3059-19G>A (NM_001425327.1); c.3056-19G>A (NM_001425328.1); c.2921-19G>A (NM_001425329.1); c.2882-19G>A (NM_001425332.1).
Identifiers: ClinVar variation 256736 (VCV000256736.22), dbSNP rs140333425, ClinGen allele CA967030.
Genomic context (GRCh38, chr1:99,896,267, plus strand): 5'-TGTTCTATAGTAATGGAGTTCATAGGTTTGTGTGTATTATTATGATTAACATATTACTTT[G>A]TTGTGTTTTTTTTGTTAGGCTTACCTCATTTTTCTTCTGGTATTTTCCGCTGCTGGGGAA-3'

ClinVar aggregate classification (germline): Benign/Likely benign. Review status: criteria provided, multiple submitters, no conflicts (2 of 4 stars). 8 submissions from 8 submitters: Benign (6); Likely benign (1). 1 of the submissions does not count toward it. Last evaluated 2026-02-03.

Conditions:
Glycogen storage disease type III (GSD3). Also called: FORBES DISEASE; Cori disease. Identifiers: Orphanet 366, MedGen C0017922, MONDO:0009291, OMIM 232400.

Allele frequency attached by ClinVar (database versions not stated): gnomAD 0.01278 and 0.01279; gnomAD exomes 0.01353 and 0.01258; ExAC 0.01403; 1000 Genomes Project 30x 0.00812; 1000 Genomes Project 0.00839; TOPMed 0.01023; ESP Exome Variant Server 0.01099.

Submissions (8):

Labcorp Genetics (formerly Invitae), Labcorp
Classification: Benign for Glycogen storage disease type III. Last evaluated: 2026-02-03. Review status: criteria provided, single submitter. Criteria: Invitae Variant Classification Sherloc (09022015). Collection method: clinical testing. Allele origin: germline.

ARUP Laboratories, Molecular Genetics and Genomics, ARUP Laboratories
Classification: Benign. Last evaluated: 2025-07-31. Review status: criteria provided, single submitter. Criteria: ARUP Molecular Germline Variant Investigation Process 2024. Collection method: clinical testing. Allele origin: germline.

Blueprint Genetics
Classification: Likely benign. Last evaluated: 2024-11-26. Review status: criteria provided, single submitter. Criteria: ACMG Guidelines, 2015. Collection method: clinical testing. Allele origin: germline.

Genome-Nilou Lab
Classification: Benign for Glycogen storage disease type III. Last evaluated: 2021-07-15. Review status: criteria provided, single submitter. Criteria: ACMG Guidelines, 2015. Collection method: clinical testing. Allele origin: germline. Affected: no.

GeneDx
Classification: Benign. Last evaluated: 2016-02-10. Review status: criteria provided, single submitter. Criteria: GeneDx Variant Classification (06012015). Collection method: clinical testing. Allele origin: germline. Affected: yes.
Comment: This variant is considered likely benign or benign based on one or more of the following criteria: it is a conservative change, it occurs at a poorly conserved position in the protein, it is predicted to be benign by multiple in silico algorithms, and/or has population frequency not consistent with disease.

Breakthrough Genomics
Classification: Benign. Review status: criteria provided, single submitter. Criteria: ACMG Guidelines, 2015. Collection method: not provided. Allele origin: germline. Inheritance: Autosomal recessive inheritance. Affected: yes.

PreventionGenetics, part of Exact Sciences
Classification: Benign. Review status: criteria provided, single submitter. Criteria: ACMG Guidelines, 2015. Collection method: clinical testing. Allele origin: germline.

Mayo Clinic Laboratories, Mayo Clinic
Classification: Likely benign. Last evaluated: 2017-03-14. Review status: no assertion criteria provided. Collection method: clinical testing. Allele origin: unknown. Not counted in ClinVar's aggregate classification.